The following is an entry in ClinVar:

ClinVar aggregate classification (germline): Pathogenic (1 of 4 stars; one submission).

Submission:

Labcorp Genetics (formerly Invitae), Labcorp
Classification: Pathogenic. Last evaluated: 2024-05-23. Review status: criteria provided, single submitter. Criteria: Invitae Variant Classification Sherloc (09022015). Collection method: clinical testing. Allele origin: germline.
Comment: This sequence change creates a premature translational stop signal (p.Met391Cysfs*18) in the SLITRK6 gene. While this is not anticipated to result in nonsense mediated decay, it is expected to disrupt the last 451 amino acid(s) of the SLITRK6 protein. This variant is not present in population databases (gnomAD no frequency). This variant has not been reported in the literature in individuals affected with SLITRK6-related conditions. This variant disrupts a region of the SLITRK6 protein in which other variant(s) (p.Gln414*) have been determined to be pathogenic (PMID: 23543054, 23946138). This suggests that this is a clinically significant region of the protein, and that variants that disrupt it are likely to be disease-causing. For these reasons, this variant has been classified as Pathogenic.

Literature cited by the submitters: PubMed 23543054; PubMed 23946138.

NM_032229.3(SLITRK6):c.1171del (p.Met391fs)

Gene: SLITRK6 (SLIT and NTRK like family member 6; minus strand). Cytogenetic location: 13q31.1.
Variant type: Deletion.
Coding change: c.1171del on transcript NM_032229.3 (MANE Select); coding-DNA position 1171, one base deleted (A; older notation c.1171delA).
Protein change: p.Met391fs; shifts the reading frame from methionine 391.
Molecular consequence: frameshift variant.
Genome position (GRCh38, 1-based): chr13:85,795,338, T deleted on the plus strand (A on the coding strand, the reverse complement: SLITRK6 is on the minus strand); the first of 3 consecutive T bases (chr13:85,795,338-85,795,340); deleting any one gives the same sequence. VCF-style (leftmost placement, unchanged base first): chr13-85795337-AT-A. GRCh37 (hg19) VCF-style: chr13-86369472-AT-A.
Other names: short protein forms M391fs.
Identifiers: ClinVar variation 3649354 (VCV003649354.2).